The following is an entry in ClinVar:

NM_176787.5(PIGN):c.1684T>A (p.Phe562Ile)

Gene: PIGN (phosphatidylinositol glycan anchor biosynthesis class N; minus strand). Cytogenetic location: 18q21.33.
Variant type: single nucleotide variant.
Coding change: c.1684T>A on transcript NM_176787.5 (MANE Select); coding-DNA position 1684, T replaced by A.
Protein change: p.Phe562Ile; replaces phenylalanine 562 with isoleucine.
Molecular consequence: missense variant.
Genome position (GRCh38, 1-based): chr18:62,106,872, A>T on the plus strand (T>A on the coding strand, the complement: PIGN is on the minus strand). VCF-style: chr18-62106872-A-T. GRCh37 (hg19) VCF-style: chr18-59774105-A-T.
Other names: c.1684T>A, p.Phe562Ile (NM_012327.6); short protein forms F562I.
Identifiers: ClinVar variation 847613 (VCV000847613.8), dbSNP rs769181999, ClinGen allele CA8982203.
Genomic context (GRCh38, chr18:62,106,872, plus strand): 5'-TGAGAAATGGCCAAGCTGCAAAGGCAGTAAGTCCAGCGGTAAGCATATAGCGGTAGAAAA[A>T]ACTGAGAACCTAGTAATGCATTCCAAAGAAGGAATGAAAAATAAGGTCATTTAATACTAG-3'
Protein context (NP_789744.1, residues 552-572): TLGIEVLVLS[Phe562Ile]FYRYMLTAGL

ClinVar aggregate classification (germline): Uncertain significance. Review status: criteria provided, multiple submitters, no conflicts (2 of 4 stars). 2 submissions from 2 submitters: Uncertain significance (2). Last evaluated 2025-06-25.

Conditions:
Inborn genetic diseases. Identifiers: MedGen C0950123, MeSH D030342.
Multiple congenital anomalies-hypotonia-seizures syndrome 1 (MCAHS1). Also called: PIGN-CDG; Congenital disorder of glycosylation due to PIGN deficiency; GLYCOSYLPHOSPHATIDYLINOSITOL BIOSYNTHESIS DEFECT 3. Identifiers: Orphanet 280633, MedGen C3279775, MONDO:0013563, OMIM 614080.

Allele frequency attached by ClinVar (database versions not stated): ExAC 0.00001; gnomAD exomes 0.00001; TOPMed 0.00002.
gnomAD v4.1: 18 of 1,607,162 alleles (0.0011%); highest among the groups gnomAD compares: Non-Finnish European, 0.0015%; no homozygotes.

Submissions (2):

Ambry Genetics
Classification: Uncertain significance for Inborn genetic diseases. Last evaluated: 2025-06-25. Review status: criteria provided, single submitter. Criteria: Ambry Variant Classification Scheme 2023. Collection method: clinical testing. Allele origin: germline.

Labcorp Genetics (formerly Invitae), Labcorp
Classification: Uncertain significance for Multiple congenital anomalies-hypotonia-seizures syndrome 1. Last evaluated: 2022-04-09. Review status: criteria provided, single submitter. Criteria: Invitae Variant Classification Sherloc (09022015). Collection method: clinical testing. Allele origin: germline.
Comment: This sequence change replaces phenylalanine, which is neutral and non-polar, with isoleucine, which is neutral and non-polar, at codon 562 of the PIGN protein (p.Phe562Ile). This variant is present in population databases (rs769181999, gnomAD 0.002%). This variant has not been reported in the literature in individuals affected with PIGN-related conditions. ClinVar contains an entry for this variant (Variation ID: 847613). Algorithms developed to predict the effect of missense changes on protein structure and function are either unavailable or do not agree on the potential impact of this missense change (SIFT: "Deleterious"; PolyPhen-2: "Probably Damaging"; Align-GVGD: "Class C15"). In summary, the available evidence is currently insufficient to determine the role of this variant in disease. Therefore, it has been classified as a Variant of Uncertain Significance.